The following is an entry in ClinVar:

NM_003482.4(KMT2D):c.3770T>C (p.Leu1257Pro)

Genes: KMT2D (lysine methyltransferase 2D; minus strand), LOC126861520 (CDK7 strongly-dependent group 2 enhancer GRCh37_chr12:49442744-49443943; plus strand). Cytogenetic location: 12q13.12.
Variant type: single nucleotide variant.
Coding change: c.3770T>C on transcript NM_003482.4 (MANE Select); coding-DNA position 3770, T replaced by C.
Protein change: p.Leu1257Pro; replaces leucine 1257 with proline.
Molecular consequence: missense variant.
Genome position (GRCh38, 1-based): chr12:49,049,818, A>G on the plus strand (T>C on the coding strand, the complement: KMT2D is on the minus strand). VCF-style: chr12-49049818-A-G. GRCh37 (hg19) VCF-style: chr12-49443601-A-G.
Other names: short protein forms L1257P.
Identifiers: ClinVar variation 2642961 (VCV002642961.24), dbSNP rs1483415193, ClinGen allele CA384653539.

ClinVar aggregate classification (germline): Uncertain significance. Review status: criteria provided, multiple submitters, no conflicts (2 of 4 stars). 2 submissions from 2 submitters: Uncertain significance (2). Last evaluated 2025-05-16.

Conditions:
Inborn genetic diseases. Identifiers: MedGen C0950123, MeSH D030342.

Allele frequency attached by ClinVar (database versions not stated): gnomAD exomes below 0.00001.

Submissions (2):

Ambry Genetics
Classification: Uncertain significance for Inborn genetic diseases. Last evaluated: 2025-05-16. Review status: criteria provided, single submitter. Criteria: Ambry Variant Classification Scheme 2023. Collection method: clinical testing. Allele origin: germline.

CeGaT Center for Human Genetics Tuebingen
Classification: Uncertain significance. Last evaluated: 2023-08-01. Review status: criteria provided, single submitter. Criteria: CeGaT Center For Human Genetics Tuebingen Variant Classification Criteria Version 2. Collection method: clinical testing. Allele origin: germline. Affected: yes. Observed: 1 variant allele.
Comment: KMT2D: PM2